The following is an entry in ClinVar:

NM_004385.5(VCAN):c.7552G>A (p.Gly2518Ser)

Genes: VCAN (versican; plus strand), VCAN-AS1 (VCAN antisense RNA 1; minus strand). Cytogenetic location: 5q14.3.
Variant type: single nucleotide variant.
Coding change: c.7552G>A on transcript NM_004385.5 (MANE Select); coding-DNA position 7552, G replaced by A.
Protein change: p.Gly2518Ser; replaces glycine 2518 with serine.
Molecular consequence: missense variant. On other transcripts: intron variant (2).
Genome position (GRCh38, 1-based): chr5:83,540,555, G>A. VCF-style: chr5-83540555-G-A. GRCh37 (hg19) VCF-style: chr5-82836374-G-A.
Other names: c.7552G>A (NM_004385.4); c.4591G>A, p.Gly1531Ser (NM_001164097.2); c.4004-4982G>A (NM_001164098.2); c.1043-4982G>A (NM_001126336.3); short protein forms G2518S, G1531S.
Identifiers: ClinVar variation 1475231 (VCV001475231.11), dbSNP rs371161146, ClinGen allele CA3333661.

ClinVar aggregate classification (germline): Uncertain significance. Review status: criteria provided, multiple submitters, no conflicts (2 of 4 stars). 4 submissions from 4 submitters: Uncertain significance (4). Last evaluated 2025-06-29.

Conditions:
Inborn genetic diseases. Identifiers: MedGen C0950123, MeSH D030342.
VCAN-related disorder. Also called: VCAN-related condition.

Allele frequency attached by ClinVar (database versions not stated): gnomAD exomes 0.00001 and 0.00002; ExAC 0.00003; gnomAD 0.00004; TOPMed 0.00005; ESP Exome Variant Server 0.00008.
gnomAD v4.1: 28 of 1,613,720 alleles (0.0017%); highest among the groups gnomAD compares: African/African-American, 0.0094%; no homozygotes.

Submissions (4):

Labcorp Genetics (formerly Invitae), Labcorp
Classification: Uncertain significance. Last evaluated: 2025-06-29. Review status: criteria provided, single submitter. Criteria: Invitae Variant Classification Sherloc (09022015). Collection method: clinical testing. Allele origin: germline.
Comment: This sequence change replaces glycine, which is neutral and non-polar, with serine, which is neutral and polar, at codon 2518 of the VCAN protein (p.Gly2518Ser). This variant is present in population databases (rs371161146, gnomAD 0.03%). This variant has not been reported in the literature in individuals affected with VCAN-related conditions. ClinVar contains an entry for this variant (Variation ID: 1475231). An algorithm developed to predict the effect of missense changes on protein structure and function outputs the following: PolyPhen-2: "Benign". The serine amino acid residue is found in multiple mammalian species, which suggests that this missense change does not adversely affect protein function. In summary, the available evidence is currently insufficient to determine the role of this variant in disease. Therefore, it has been classified as a Variant of Uncertain Significance.

PreventionGenetics, part of Exact Sciences
Classification: Uncertain significance for VCAN-related condition. Last evaluated: 2024-12-08. Review status: criteria provided, single submitter. Criteria: ACMG Guidelines, 2015. Collection method: clinical testing. Allele origin: germline.
Comment: The VCAN c.7552G>A variant is predicted to result in the amino acid substitution p.Gly2518Ser. To our knowledge, this variant has not been reported in the literature. This variant is reported in 0.028% of alleles in individuals of African descent in gnomAD. At this time, the clinical significance of this variant is uncertain due to the absence of conclusive functional and genetic evidence.

Blueprint Genetics
Classification: Uncertain significance. Last evaluated: 2024-09-25. Review status: criteria provided, single submitter. Criteria: ACMG Guidelines, 2015. Collection method: clinical testing. Allele origin: germline.

Ambry Genetics
Classification: Uncertain significance for Inborn genetic diseases. Last evaluated: 2023-05-23. Review status: criteria provided, single submitter. Criteria: Ambry Variant Classification Scheme 2023. Collection method: clinical testing. Allele origin: germline.